The following is an entry in ClinVar:

NM_000170.3(GLDC):c.24G>A (p.Trp8Ter)

Gene: GLDC (glycine decarboxylase; minus strand). Cytogenetic location: 9p24.1.
Variant type: single nucleotide variant.
Coding change: c.24G>A on transcript NM_000170.3 (MANE Select); coding-DNA position 24, G replaced by A.
Protein change: p.Trp8Ter; replaces tryptophan 8 with a stop codon.
Molecular consequence: nonsense.
Genome position (GRCh38, 1-based): chr9:6,645,476, C>T on the plus strand (G>A on the coding strand, the complement: GLDC is on the minus strand). VCF-style: chr9-6645476-C-T. GRCh37 (hg19) VCF-style: chr9-6645476-C-T.
Other names: short protein forms W8*.
Identifiers: ClinVar variation 553731 (VCV000553731.13), dbSNP rs1163356968, ClinGen allele CA372887561.

ClinVar aggregate classification (germline): Pathogenic. Review status: criteria provided, multiple submitters, no conflicts (2 of 4 stars). 4 submissions from 4 submitters: Pathogenic (2). 2 of the submissions do not count toward it. Last evaluated 2025-05-20.

Conditions:
Glycine encephalopathy 1 (GCE1). Identifiers: MedGen CN376801, MONDO:0958179, OMIM 605899.
GLDC-related disorder. Also called: GLDC-related condition.
Glycine encephalopathy. Also called: Nonketotic hyperglycinemia; Non-ketotic hyperglycinemia. Identifiers: Orphanet 407, MedGen C0751748, MONDO:0011612, HP:0008288.

gnomAD v4.1: 12 of 1,268,762 alleles (0.00095%); highest among the groups gnomAD compares: African/African-American, 0.0016%; no homozygotes.

Submissions (4):

Natera, Inc.
Classification: Pathogenic for Non-ketotic hyperglycinemia. Last evaluated: 2025-05-20. Review status: criteria provided, single submitter. Criteria: Natera Variant Classification Schema (03/2026). Collection method: clinical testing. Allele origin: germline.
Comment: The c.24G>A variant in GLDC is a nonsense variant predicted to introduce a stop codon at amino acid 8. This variant is expected to result in nonsense mediated decay, truncation, or a dysfunctional protein product. This variant is rare in the general population with a frequency below the threshold expected for the associated phenotype(s). This variant has been observed in one or more individuals affected with the associated recessive disease, as either homozygous or compound heterozygous with a second variant (PMID: 27362913). Given the available evidence, this variant is classified as Pathogenic.

Labcorp Genetics (formerly Invitae), Labcorp
Classification: Pathogenic for Glycine encephalopathy. Last evaluated: 2021-10-25. Review status: criteria provided, single submitter. Criteria: Invitae Variant Classification Sherloc (09022015). Collection method: clinical testing. Allele origin: germline.
Comment: This variant is not present in population databases (gnomAD no frequency). This premature translational stop signal has been observed in individual(s) with glycine encephalopathy (PMID: 27362913). In at least one individual the data is consistent with the variant being in trans (on the opposite chromosome) from a pathogenic variant. ClinVar contains an entry for this variant (Variation ID: 553731). For these reasons, this variant has been classified as Pathogenic. This sequence change creates a premature translational stop signal (p.Trp8*) in the GLDC gene. It is expected to result in an absent or disrupted protein product. Loss-of-function variants in GLDC are known to be pathogenic (PMID: 16601880).

PreventionGenetics, part of Exact Sciences
Classification: Likely pathogenic for GLDC-related condition. Last evaluated: 2023-12-02. Review status: no assertion criteria provided. Collection method: clinical testing. Allele origin: germline. Not counted in ClinVar's aggregate classification.
Comment: The GLDC c.24G>A variant is predicted to result in premature protein termination (p.Trp8*). This variant was reported with a second GLDC variant in two individuals with non-ketotic hyperglycinemia (Coughlin et al. 2017. PubMed ID: 27362913). This variant has not been reported in a large population database, indicating this variant is rare. Nonsense variants in GLDC are expected to be pathogenic. This variant is interpreted as likely pathogenic.

Counsyl
Classification: Pathogenic for Glycine encephalopathy 1. Last evaluated: 2017-09-05. Review status: no assertion criteria provided. Collection method: clinical testing. Allele origin: unknown. Not counted in ClinVar's aggregate classification.

Literature cited by the submitters: PubMed 27362913 (cited by 3 submitters); PubMed 16601880 (cited by Labcorp Genetics (formerly Invitae), Labcorp).